The following is an entry in ClinVar:

NM_001122681.2(SH3BP2):c.692C>T (p.Pro231Leu)

Gene: SH3BP2 (SH3 domain binding protein 2; plus strand). Cytogenetic location: 4p16.3.
Variant type: single nucleotide variant.
Coding change: c.692C>T on transcript NM_001122681.2 (MANE Select); coding-DNA position 692, C replaced by T.
Protein change: p.Pro231Leu; replaces proline 231 with leucine.
Molecular consequence: missense variant.
Genome position (GRCh38, 1-based): chr4:2,829,598, C>T. VCF-style: chr4-2829598-C-T. GRCh37 (hg19) VCF-style: chr4-2831325-C-T.
Other names: c.776C>T, p.Pro259Leu (NM_001145855.2); c.863C>T, p.Pro288Leu (NM_001145856.2); c.692C>T, p.Pro231Leu (NM_003023.4); short protein forms P231L, P288L, P259L.
Identifiers: ClinVar variation 1496956 (VCV001496956.6), dbSNP rs1724859262, ClinGen allele CA356055935.
Genomic context (GRCh38, chr4:2,829,598, plus strand): 5'-CGCCCAGGAAGCCAGCCTTCTCTGACATGCCCCGGGCCCACTCCTTTACCTCCAAGGGCC[C>T]CGGTCCCCTACTGCCACCCCCGCCCCCTAAGCACGGCCTCCCAGATGTTGGCCTGGCTGC-3'
Protein context (NP_001116153.1, residues 221-241): PRAHSFTSKG[Pro231Leu]GPLLPPPPPK

ClinVar aggregate classification (germline): Uncertain significance (1 of 4 stars; one submission).

Conditions:
Fibrous dysplasia of jaw (CRBM). Also called: Cherubism. Identifiers: Orphanet 184, MedGen C0008029, MONDO:0007315, OMIM 118400.

gnomAD v4.1: 1 of 1,612,780 alleles (0.000062%); highest among the groups gnomAD compares: Non-Finnish European, 0.000085%; no homozygotes.

Submission:

Labcorp Genetics (formerly Invitae), Labcorp
Classification: Uncertain significance for Fibrous dysplasia of jaw. Last evaluated: 2021-09-21. Review status: criteria provided, single submitter. Criteria: Invitae Variant Classification Sherloc (09022015). Collection method: clinical testing. Allele origin: germline.
Comment: Algorithms developed to predict the effect of missense changes on protein structure and function output the following: SIFT: "Tolerated"; PolyPhen-2: "Benign"; Align-GVGD: "Class C0". The leucine amino acid residue is found in multiple mammalian species, which suggests that this missense change does not adversely affect protein function. This variant has not been reported in the literature in individuals affected with SH3BP2-related conditions. This variant is not present in population databases (ExAC no frequency). This sequence change replaces proline with leucine at codon 231 of the SH3BP2 protein (p.Pro231Leu). The proline residue is moderately conserved and there is a moderate physicochemical difference between proline and leucine. In summary, the available evidence is currently insufficient to determine the role of this variant in disease. Therefore, it has been classified as a Variant of Uncertain Significance.